The following is an entry in ClinVar:

ClinVar aggregate classification (germline): Uncertain significance (1 of 4 stars; one submission).

Conditions:
Gorlin syndrome. Also called: Nevoid Basal Cell Carcinoma Syndrome; Basal cell nevus syndrome. Identifiers: Orphanet 377, MedGen C0004779, MONDO:0007187.

gnomAD v4.1: 5 of 1,613,998 alleles (0.00031%); highest among the groups gnomAD compares: Non-Finnish European, 0.00042%; no homozygotes.

Submission:

Labcorp Genetics (formerly Invitae), Labcorp
Classification: Uncertain significance for Gorlin syndrome. Last evaluated: 2025-05-13. Review status: criteria provided, single submitter. Criteria: Invitae Variant Classification Sherloc (09022015). Collection method: clinical testing. Allele origin: germline.
Comment: This sequence change replaces tryptophan, which is neutral and slightly polar, with leucine, which is neutral and non-polar, at codon 1143 of the PTCH2 protein (p.Trp1143Leu). This variant is present in population databases (no rsID available, gnomAD 0.002%). This variant has not been reported in the literature in individuals affected with PTCH2-related conditions. An algorithm developed to predict the effect of missense changes on protein structure and function (PolyPhen-2) suggests that this variant is likely to be tolerated. In summary, the available evidence is currently insufficient to determine the role of this variant in disease. Therefore, it has been classified as a Variant of Uncertain Significance.

NM_003738.5(PTCH2):c.3428G>T (p.Trp1143Leu)

Gene: PTCH2 (patched 2; minus strand). Cytogenetic location: 1p34.1.
Variant type: single nucleotide variant.
Coding change: c.3428G>T on transcript NM_003738.5 (MANE Select); coding-DNA position 3428, G replaced by T.
Protein change: p.Trp1143Leu; replaces tryptophan 1143 with leucine.
Molecular consequence: missense variant. On other transcripts: intron variant (1).
Genome position (GRCh38, 1-based): chr1:44,822,599, C>A on the plus strand (G>T on the coding strand, the complement: PTCH2 is on the minus strand). VCF-style: chr1-44822599-C-A. GRCh37 (hg19) VCF-style: chr1-45288271-C-A.
Other names: c.3425+3G>T (NM_001166292.2); short protein forms W1143L.
Identifiers: ClinVar variation 4750997 (VCV004750997.1).